The following is an entry in ClinVar:

NM_024426.6(WT1):c.*1098C>T

Gene: WT1 (WT1 transcription factor; minus strand). Cytogenetic location: 11p13.
Variant type: single nucleotide variant.
Coding change: c.*1098C>T on transcript NM_024426.6 (MANE Select); 1098 bases downstream of the stop codon, C replaced by T.
Molecular consequence: 3 prime UTR variant. On other transcripts: non-coding transcript variant (1).
Genome position (GRCh38, 1-based): chr11:32,387,960, G>A on the plus strand (C>T on the coding strand, the complement: WT1 is on the minus strand). VCF-style: chr11-32387960-G-A. GRCh37 (hg19) VCF-style: chr11-32409506-G-A.
Other names: c.*1098C>T (NM_000378.6, NM_001198551.2, NM_001198552.2 and 11 more transcripts).
Identifiers: ClinVar variation 304375 (VCV000304375.6), dbSNP rs5030327, ClinGen allele CA10630748.

ClinVar aggregate classification (germline): Benign/Likely benign. Review status: criteria provided, single submitter (1 of 4 stars). 3 submissions from 1 submitter: Benign (2); Likely benign (1). Last evaluated 2018-01-12.

Conditions:
Nephrotic syndrome, type 4 (NPHS4). Also called: Familial mesangial sclerosis; Nephrotic syndrome, early onset with diffuse mesangial sclerosis. Identifiers: Orphanet 656, MedGen C3151568, MONDO:0009733, OMIM 256370.
Meacham syndrome. Also called: Meacham Winn Culler syndrome. Identifiers: Orphanet 3097, MedGen C1837026, MONDO:0012164, OMIM 608978.
Wilms tumor 1 (WT1). Also called: Wilms tumor, somatic. Identifiers: Orphanet 654, MedGen CN033288, MONDO:0008679, OMIM 194070.

Allele frequency attached by ClinVar (database versions not stated): gnomAD exomes 0.00117; gnomAD 0.00806 and 0.00867; TOPMed 0.00907; 1000 Genomes Project 0.00919; 1000 Genomes Project 30x 0.00968.
gnomAD v4.1: 1,294 of 232,172 alleles (0.56%); highest among the groups gnomAD compares: African/African-American, 2.7%; 17 homozygotes.

Submissions (3):

Illumina Laboratory Services, Illumina
Classification: Benign for Meacham syndrome. Last evaluated: 2018-01-12. Review status: criteria provided, single submitter. Criteria: ICSL Variant Classification Criteria 13 December 2019. Collection method: clinical testing. Allele origin: germline.
Comment: This variant was observed in the ICSL laboratory as part of a predisposition screen in an ostensibly healthy population. It had not been previously curated by ICSL or reported in the Human Gene Mutation Database (HGMD: prior to June 1st, 2018), and was therefore a candidate for classification through an automated scoring system. Utilizing variant allele frequency, disease prevalence and penetrance estimates, and inheritance mode, an automated score was calculated to assess if this variant is too frequent to cause the disease. Based on the score and internal cut-off values, a variant classified as benign is not then subjected to further curation. The score for this variant resulted in a classification of benign for this disease.

Illumina Laboratory Services, Illumina
Classification: Likely benign for Nephrotic syndrome, type 4. Last evaluated: 2018-01-12. Review status: criteria provided, single submitter. Criteria: ICSL Variant Classification Criteria 13 December 2019. Collection method: clinical testing. Allele origin: germline.
Comment: This variant was observed in the ICSL laboratory as part of a predisposition screen in an ostensibly healthy population. It had not been previously curated by ICSL or reported in the Human Gene Mutation Database (HGMD: prior to June 1st, 2018), and was therefore a candidate for classification through an automated scoring system. Utilizing variant allele frequency, disease prevalence and penetrance estimates, and inheritance mode, an automated score was calculated to assess if this variant is too frequent to cause the disease. Based on the score and internal cut-off values, a variant classified as likely benign is not then subjected to further curation. The score for this variant resulted in a classification of likely benign for this disease.

Illumina Laboratory Services, Illumina
Classification: Benign for Wilms tumor 1. Last evaluated: 2018-01-12. Review status: criteria provided, single submitter. Criteria: ICSL Variant Classification Criteria 13 December 2019. Collection method: clinical testing. Allele origin: germline.
Comment: the same text as in the submission from Illumina Laboratory Services, Illumina above.